The following is an entry in ClinVar:

NM_003098.3(SNTA1):c.224C>G (p.Pro75Arg)

Gene: SNTA1 (syntrophin alpha 1; minus strand). Cytogenetic location: 20q11.21.
Variant type: single nucleotide variant.
Coding change: c.224C>G on transcript NM_003098.3 (MANE Select); coding-DNA position 224, C replaced by G.
Protein change: p.Pro75Arg; replaces proline 75 with arginine.
Molecular consequence: missense variant.
Genome position (GRCh38, 1-based): chr20:33,443,397, G>C on the plus strand (C>G on the coding strand, the complement: SNTA1 is on the minus strand). VCF-style: chr20-33443397-G-C. GRCh37 (hg19) VCF-style: chr20-32031203-G-C.
Other names: c.224C>G, p.Pro75Arg (NM_001424413.1, NM_001424414.1); short protein forms P75R.
Identifiers: ClinVar variation 4751857 (VCV004751857.1).

ClinVar aggregate classification (germline): Uncertain significance (1 of 4 stars; one submission).

Conditions:
Long QT syndrome (LQTS). Identifiers: MedGen C0023976, MeSH D008133, MONDO:0002442. Disease mechanism: loss of function. Inheritance: Various modes of inheritance.

gnomAD v4.1: 1 of 1,363,682 alleles (0.000073%); highest among the groups gnomAD compares: African/African-American, 0.0015%; no homozygotes.

Submission:

Labcorp Genetics (formerly Invitae), Labcorp
Classification: Uncertain significance for Long QT syndrome. Last evaluated: 2025-11-16. Review status: criteria provided, single submitter. Criteria: Invitae Variant Classification Sherloc (09022015). Collection method: clinical testing. Allele origin: germline.
Comment: This sequence change replaces proline, which is neutral and non-polar, with arginine, which is basic and polar, at codon 75 of the SNTA1 protein (p.Pro75Arg). This variant is present in population databases (no rsID available, gnomAD 0.02%). This variant has not been reported in the literature in individuals affected with SNTA1-related conditions. Invitae Evidence Modeling of protein sequence and biophysical properties (such as structural, functional, and spatial information, amino acid conservation, physicochemical variation, residue mobility, and thermodynamic stability) indicates that this missense variant is not expected to disrupt SNTA1 protein function with a negative predictive value of 80%. In summary, the available evidence is currently insufficient to determine the role of this variant in disease. Therefore, it has been classified as a Variant of Uncertain Significance.